The following is an entry in ClinVar:

NM_015599.3(PGM3):c.1359dup (p.Val454fs)

Gene: PGM3 (phosphoglucomutase 3; minus strand). Cytogenetic location: 6q14.1.
Variant type: Duplication.
Coding change: c.1359dup on transcript NM_015599.3 (MANE Select); coding-DNA position 1359, one base duplicated (A; older notation c.1359dupA).
Protein change: p.Val454fs; shifts the reading frame from valine 454.
Molecular consequence: frameshift variant. On other transcripts: non-coding transcript variant (1), intron variant (1).
Genome position (GRCh38, 1-based): chr6:83,171,943, T duplicated on the plus strand (A on the coding strand, the reverse complement: PGM3 is on the minus strand); the first of 3 consecutive T bases (chr6:83,171,943-83,171,945); duplicating any one gives the same sequence. VCF-style (leftmost placement, unchanged base first): chr6-83171942-C-CT. GRCh37 (hg19) VCF-style: chr6-83881661-C-CT.
Other names: c.1443dup, p.Val482fs (NM_001199917.2, NM_001367287.1); c.1116dup, p.Val373fs (NM_001199918.2); c.1359dup, p.Val454fs (NM_001199919.2); c.1243-1465dup (NM_001367286.1); short protein forms V373fs, V454fs, V482fs.
Identifiers: ClinVar variation 2821069 (VCV002821069.3), dbSNP rs2538025358, ClinGen allele CA2679530755.
Genomic context (GRCh38, chr6:83,171,942, plus strand): 5'-AATAGGTTTTACTTAGCTAATATTCAAAAAAGTTACTTTAAAGTTTCTCTCACACCTGAA[C>CT]TTTAAGTTGTCTGTTTGGAAGATCTGTATAGAGAGCATCCCACTGTTGTACAGTCAAGCC-3'

ClinVar aggregate classification (germline): Pathogenic (1 of 4 stars; one submission).

Conditions:
Immunodeficiency 23 (IMD23). Also called: IMMUNODEFICIENCY WITH HYPER IgE AND COGNITIVE IMPAIRMENT; IMMUNODEFICIENCY-VASCULITIS-MYOCLONUS SYNDROME. Identifiers: Orphanet 443811, MedGen C4014371, MONDO:0014353, OMIM 615816.

Submission:

Labcorp Genetics (formerly Invitae), Labcorp
Classification: Pathogenic for Immunodeficiency 23. Last evaluated: 2022-12-15. Review status: criteria provided, single submitter. Criteria: Invitae Variant Classification Sherloc (09022015). Collection method: clinical testing. Allele origin: germline.
Comment: This sequence change creates a premature translational stop signal (p.Val482Serfs*10) in the PGM3 gene. It is expected to result in an absent or disrupted protein product. Loss-of-function variants in PGM3 are known to be pathogenic (PMID: 17548465, 24589341, 24931394). This variant is not present in population databases (gnomAD no frequency). This variant has not been reported in the literature in individuals affected with PGM3-related conditions. For these reasons, this variant has been classified as Pathogenic.

Literature cited by the submitters: PubMed 17548465; PubMed 24589341; PubMed 24931394.